The following is an entry in ClinVar:

ClinVar aggregate classification (germline): Benign (1 of 4 stars; one submission).

Allele frequency attached by ClinVar (database versions not stated): ESP Exome Variant Server 0.05282; gnomAD 0.05291 and 0.05452; TOPMed 0.05334; gnomAD exomes 0.05583; ExAC 0.05803; 1000 Genomes Project 30x 0.06996; 1000 Genomes Project 0.07288.
gnomAD v4.1: 86,412 of 1,594,832 alleles (5.4%); highest among the groups gnomAD compares: South Asian, 8%; 2,620 homozygotes.

Submission:

GeneDx
Classification: Benign. Last evaluated: 2018-06-16. Review status: criteria provided, single submitter. Criteria: GeneDx Variant Classification (06012015). Collection method: clinical testing. Allele origin: germline. Affected: yes.
Comment: This variant is considered likely benign or benign based on one or more of the following criteria: it is a conservative change, it occurs at a poorly conserved position in the protein, it is predicted to be benign by multiple in silico algorithms, and/or has population frequency not consistent with disease.

NM_001256545.2(MEGF10):c.2491+32C>T

Gene: MEGF10 (multiple EGF like domains 10; plus strand). Cytogenetic location: 5q23.2.
Variant type: single nucleotide variant.
Coding change: c.2491+32C>T on transcript NM_001256545.2 (MANE Select); 32 bases into the intron after coding-DNA position 2491, C replaced by T.
Molecular consequence: intron variant.
Genome position (GRCh38, 1-based): chr5:127,443,158, C>T. VCF-style: chr5-127443158-C-T. GRCh37 (hg19) VCF-style: chr5-126778850-C-T.
Other names: c.2491+32C>T (NM_032446.3).
Identifiers: ClinVar variation 672414 (VCV000672414.1), dbSNP rs7737871, ClinGen allele CA3391947.